The following is an entry in ClinVar:

NM_024818.6(UBA5):c.563G>A (p.Arg188Gln)

Genes: NPHP3-ACAD11 (NPHP3-ACAD11 readthrough (NMD candidate); minus strand), UBA5 (ubiquitin like modifier activating enzyme 5; plus strand). Cytogenetic location: 3q22.1.
Variant type: single nucleotide variant.
Coding change: c.563G>A on transcript NM_024818.6 (MANE Select); coding-DNA position 563, G replaced by A.
Protein change: p.Arg188Gln; replaces arginine 188 with glutamine.
Molecular consequence: missense variant.
Genome position (GRCh38, 1-based): chr3:132,671,033, G>A. VCF-style: chr3-132671033-G-A. GRCh37 (hg19) VCF-style: chr3-132389877-G-A.
Other names: c.395G>A, p.Arg132Gln (NM_001320210.2, NM_198329.4); c.293G>A, p.Arg98Gln (NM_001321238.2); c.227G>A, p.Arg76Gln (NM_001321239.1); c.563G>A (NM_024818.3); short protein forms R132Q, R76Q, R188Q, R98Q.
Identifiers: ClinVar variation 1377113 (VCV001377113.4), dbSNP rs368103311, ClinGen allele CA2621385.
Genomic context (GRCh38, chr3:132,671,033, plus strand): 5'-GGTTAGAAGAAGGAAAACCTGTTGATCTAGTTCTTAGCTGTGTGGACAATTTTGAAGCTC[G>A]AATGACAATAAATACAGTGAGTATTCCTGCTGTGCAAGATATATTCATGGATTTATCTGT-3'
Protein context (NP_079094.1, residues 178-198): VLSCVDNFEA[Arg188Gln]MTINTACNEL

ClinVar aggregate classification (germline): Uncertain significance. Review status: criteria provided, multiple submitters, no conflicts (2 of 4 stars). 3 submissions from 3 submitters: Uncertain significance (3). Last evaluated 2023-04-12.

Conditions:
Inborn genetic diseases. Identifiers: MedGen C0950123, MeSH D030342.

Allele frequency attached by ClinVar (database versions not stated): ExAC 0.00003; gnomAD 0.00004 and 0.00005; TOPMed 0.00004; ESP Exome Variant Server 0.00008.

Submissions (3):

GeneDx
Classification: Uncertain significance. Last evaluated: 2023-04-12. Review status: criteria provided, single submitter. Criteria: GeneDx Variant Classification Process June 2021. Collection method: clinical testing. Allele origin: germline. Affected: yes.
Comment: In silico analysis supports that this missense variant has a deleterious effect on protein structure/function; Has not been previously published as pathogenic or benign to our knowledge

Labcorp Genetics (formerly Invitae), Labcorp
Classification: Uncertain significance. Last evaluated: 2022-06-27. Review status: criteria provided, single submitter. Criteria: Invitae Variant Classification Sherloc (09022015). Collection method: clinical testing. Allele origin: germline.
Comment: This sequence change replaces arginine with glutamine at codon 188 of the UBA5 protein (p.Arg188Gln). The arginine residue is highly conserved and there is a small physicochemical difference between arginine and glutamine. This variant is present in population databases (rs368103311, gnomAD 0.005%). This variant has not been reported in the literature in individuals affected with UBA5-related conditions. Algorithms developed to predict the effect of missense changes on protein structure and function are either unavailable or do not agree on the potential impact of this missense change (SIFT: "Not Available"; PolyPhen-2: "Probably Damaging"; Align-GVGD: "Not Available"). In summary, the available evidence is currently insufficient to determine the role of this variant in disease. Therefore, it has been classified as a Variant of Uncertain Significance.

Ambry Genetics
Classification: Uncertain significance for Inborn genetic diseases. Last evaluated: 2022-03-16. Review status: criteria provided, single submitter. Criteria: Ambry Variant Classification Scheme 2023. Collection method: clinical testing. Allele origin: germline.